The following is an entry in ClinVar:

ClinVar aggregate classification (germline): Uncertain significance (1 of 4 stars; one submission).

Submission:

GeneDx
Classification: Uncertain significance. Last evaluated: 2026-07-11. Review status: criteria provided, single submitter. Criteria: GeneDx Variant Classification Process June 2021. Collection method: clinical testing. Allele origin: germline.
Comment: Not observed at significant frequency in large population cohorts (gnomAD); In silico analysis suggests that this missense variant does not alter protein structure/function; Has not been previously published as pathogenic or benign to our knowledge

NM_001130144.3(LTBP3):c.19G>A (p.Ala7Thr)

Gene: LTBP3 (latent transforming growth factor beta binding protein 3; minus strand). Cytogenetic location: 11q13.1.
Variant type: single nucleotide variant.
Coding change: c.19G>A on transcript NM_001130144.3 (MANE Select); coding-DNA position 19, G replaced by A.
Protein change: p.Ala7Thr; replaces alanine 7 with threonine.
Molecular consequence: missense variant. On other transcripts: 5 prime UTR variant (1).
Genome position (GRCh38, 1-based): chr11:65,557,941, C>T on the plus strand (G>A on the coding strand, the complement: LTBP3 is on the minus strand). VCF-style: chr11-65557941-C-T. GRCh37 (hg19) VCF-style: chr11-65325412-C-T.
Other names: c.-329G>A (NM_001164266.1); c.19G>A, p.Ala7Thr (NM_021070.4); short protein forms A7T.
Identifiers: ClinVar variation 4531072 (VCV004531072.2).